The following is an entry in ClinVar:

NM_005515.4(MNX1):c.581C>G (p.Pro194Arg)

Gene: MNX1 (motor neuron and pancreas homeobox 1; minus strand). Cytogenetic location: 7q36.3.
Variant type: single nucleotide variant.
Coding change: c.581C>G on transcript NM_005515.4 (MANE Select); coding-DNA position 581, C replaced by G.
Protein change: p.Pro194Arg; replaces proline 194 with arginine.
Molecular consequence: missense variant.
Genome position (GRCh38, 1-based): chr7:157,009,770, G>C on the plus strand (C>G on the coding strand, the complement: MNX1 is on the minus strand). VCF-style: chr7-157009770-G-C. GRCh37 (hg19) VCF-style: chr7-156802464-G-C.
Other names: short protein forms P194R.
Identifiers: ClinVar variation 1936582 (VCV001936582.5), dbSNP rs2537780134, ClinGen allele CA370164065.
Genomic context (GRCh38, chr7:157,009,770, plus strand): 5'-AGCCACTGGTCCAGCTGGAAGGTGCCGGCGCCCAGCTTGATGGGGTCGGCGGGGTGCGCG[G>C]GGTGCGCGCCTTGCACCTGCGGGTACGAGTAGGAGAGCGCCGGGTGCTGGCCCGCCAGCG-3'
Protein context (NP_005506.3, residues 184-204): YSYPQVQGAH[Pro194Arg]AHPADPIKLG

ClinVar aggregate classification (germline): Uncertain significance (1 of 4 stars; one submission).

Submission:

Labcorp Genetics (formerly Invitae), Labcorp
Classification: Uncertain significance. Last evaluated: 2022-09-29. Review status: criteria provided, single submitter. Criteria: Invitae Variant Classification Sherloc (09022015). Collection method: clinical testing. Allele origin: germline.
Comment: In summary, the available evidence is currently insufficient to determine the role of this variant in disease. Therefore, it has been classified as a Variant of Uncertain Significance. Advanced modeling of protein sequence and biophysical properties (such as structural, functional, and spatial information, amino acid conservation, physicochemical variation, residue mobility, and thermodynamic stability) performed at Invitae indicates that this missense variant is not expected to disrupt MNX1 protein function. This variant has not been reported in the literature in individuals affected with MNX1-related conditions. This variant is not present in population databases (gnomAD no frequency). This sequence change replaces proline, which is neutral and non-polar, with arginine, which is basic and polar, at codon 194 of the MNX1 protein (p.Pro194Arg).